The following is an entry in ClinVar:

NM_003104.6(SORD):c.757del (p.Ala253fs)

Gene: SORD (sorbitol dehydrogenase; plus strand). Cytogenetic location: 15q21.1.
Variant type: Deletion.
Coding change: c.757del on transcript NM_003104.6 (MANE Select); coding-DNA position 757, one base deleted (G; older notation c.757delG).
Protein change: p.Ala253fs; shifts the reading frame from alanine 253.
Molecular consequence: frameshift variant. On other transcripts: non-coding transcript variant (1).
Genome position (GRCh38, 1-based): chr15:45,069,023, G deleted; the last of 5 consecutive G bases (chr15:45,069,019-45,069,023); deleting any one gives the same sequence. VCF-style (leftmost placement, unchanged base first): chr15-45069018-CG-C. GRCh37 (hg19) VCF-style: chr15-45361216-CG-C.
Other names: p.A253Qfs*27; p.Ala253Glnfs*27; c.757del (NM_003104.5); c.757delG (NM_003104.6); short protein forms A253fs.
Identifiers: ClinVar variation 929258 (VCV000929258.110), dbSNP rs55901542, ClinGen allele CA270102981.

ClinVar aggregate classification (germline): Pathogenic/Likely pathogenic. Review status: criteria provided, multiple submitters, no conflicts (2 of 4 stars). 42 submissions from 42 submitters: Pathogenic (34); Likely pathogenic (4). 4 of the submissions do not count toward it. Last evaluated 2026-09-01.

Conditions:
Idiopathic environmental intolerance. Identifiers: MedGen C0242992.
Neuronopathy, distal hereditary motor, autosomal recessive 8. Also called: NEUROPATHY, DISTAL HEREDITARY MOTOR, AUTOSOMAL RECESSIVE 8; SORBITOL DEHYDROGENASE DEFICIENCY WITH PERIPHERAL NEUROPATHY; SORBITOL DEHYDROGENASE DEFICIENCY. Identifiers: Orphanet 700508, MedGen C5394466, MONDO:0030055, OMIM 618912.
SORD-related disorders.
Neuromuscular disease. Also called: Neuromuscular disorder; Neuromyopathy. Identifiers: Orphanet 68381, MedGen C0027868, MeSH D009468, MONDO:0019056.
Autosomal recessive distal spinal muscular atrophy 1. Also called: NEURONOPATHY, SEVERE INFANTILE AXONAL, WITH RESPIRATORY FAILURE; SEVERE INFANTILE AXONAL NEUROPATHY WITH RESPIRATORY FAILURE; SPINAL MUSCULAR ATROPHY, DIAPHRAGMATIC; Spinal muscular atrophy with respiratory distress 1; NEURONOPATHY, DISTAL HEREDITARY MOTOR, HARDING TYPE VI; NEUROPATHY, DISTAL HEREDITARY MOTOR, AUTOSOMAL RECESSIVE 1. Identifiers: Orphanet 98920, MedGen C1858517, MONDO:0011436, OMIM 604320.
Inborn genetic diseases. Identifiers: MedGen C0950123, MeSH D030342.

Submissions 1 to 12 of 42:

CeGaT Center for Human Genetics Tuebingen
Classification: Pathogenic. Last evaluated: 2026-09-01. Review status: criteria provided, single submitter. Criteria: CeGaT Center For Human Genetics Tuebingen Variant Classification Criteria Version 2. Collection method: clinical testing. Allele origin: germline. Affected: yes. Observed: 26 variant alleles.
Comment: SORD: PM3:Very Strong, PVS1, PP1:Strong, PM2:Supporting

Department of Molecular Genetics, Istishari Arab Hospital
Classification: Pathogenic for Autosomal recessive distal spinal muscular atrophy 1. Last evaluated: 2026-08-06. Review status: criteria provided, single submitter. Criteria: ACMG Guidelines, 2015. Collection method: clinical testing. Allele origin: germline. Inheritance: Autosomal recessive inheritance. Affected: yes.
Comment: The SORD variant c.757del, p.Ala253Glnfs*27 creates a shift in the reading frame starting at codon 253 in exon 7 (out of 9 exons). The new reading frame ends in a stop codon 27 positions downstream. The variant is observed in the gnomAD v4.1.0 dataset, including 20 homozygotes. However, this observation needs to be cautiously considered due to the possibility of the SORD pseudogene being captured. This variant was observed in patients with distal hereditary motor neuronopathy (PMID: 32367058, 33381078, 33397963, 33875678). It is classified as pathogenic according to the recommendations of ACMG/AMP/ClinGen SVI guidelines.

Undiagnosed Diseases Network, NIH
Classification: Pathogenic for Neuronopathy, distal hereditary motor, autosomal recessive 8. Last evaluated: 2026-01-30. Review status: criteria provided, single submitter. Criteria: ACMG Guidelines, 2015. Collection method: clinical testing. Allele origin: biparental. Inheritance: Autosomal recessive inheritance. Affected: yes. Observed: 1 variant allele, 1 homozygote. Study: Undiagnosed Diseases Network (NIH), UDN.

Variantyx, Inc.
Classification: Pathogenic for Neuronopathy, distal hereditary motor, autosomal recessive 8. Last evaluated: 2026-01-23. Review status: criteria provided, single submitter. Criteria: Variantyx Assertion Criteria 2022. Collection method: clinical testing. Allele origin: germline. Inheritance: Autosomal recessive inheritance. Affected: no.
Comment: This is a frameshift variant in the SORD gene (OMIM: 182500). Pathogenic variants in this gene have been associated with autosomal recessive distal hereditary motor neuronopathy 8. This variant introduces a premature termination codon in exon 8 out of 9 and is expected to result in loss of function, which is a known disease mechanism for SORD in this disorder (PMID: 32367058, 9604875) (PVS1). This variant has been reported in the homozygous or compound heterozygous state in many unrelated affected individuals (PMID: 33875678, 32367058, 33314640) (PM3). It has a 0.4404% maximum allele frequency in non-founder control populations. Based on the current evidence, this variant is classified as pathogenic for autosomal recessive distal hereditary motor neuronopathy 8.

3billion
Classification: Pathogenic for Neuronopathy, distal hereditary motor, autosomal recessive 8. Last evaluated: 2025-11-20. Review status: criteria provided, single submitter. Criteria: ACMG Guidelines, 2015. Collection method: clinical testing. Allele origin: germline. Affected: yes.
Comment: The variant is observed in the gnomAD v4.1.0 dataset (total allele frequency: 0.320%). Predicted Consequence/Location: Frameshift: predicted to result in a loss or disruption of normal protein function through nonsense-mediated decay (NMD) or protein truncation. Multiple pathogenic variants are reported downstream of the variant. Functional studies provide strong evidence of the variant having a damaging effect on the gene or gene product (PMID: 32367058). The variant has been reported to be in trans with a pathogenic variant as either compound heterozygous or homozygous in at least one similarly affected unrelated individual (PMID: 32367058). The variant has been reported at least twice as pathogenic with clinical assertions and evidence for the classification (ClinVar ID: VCV000929258 /PMID: 32367058 /3billion dataset). Therefore, this variant is classified as Pathogenic according to the recommendation of ACMG/AMP guideline.

Labcorp Genetics (formerly Invitae), Labcorp
Classification: Pathogenic. Last evaluated: 2025-11-14. Review status: criteria provided, single submitter. Criteria: Invitae Variant Classification Sherloc (09022015). Collection method: clinical testing. Allele origin: germline.
Comment: This sequence change creates a premature translational stop signal (p.Ala253Glnfs*27) in the SORD gene. It is expected to result in an absent or disrupted protein product. Loss-of-function variants in SORD are known to be pathogenic (PMID: 32367058). The frequency data for this variant in the population databases is considered unreliable, as metrics indicate poor data quality at this position in the gnomAD database. This premature translational stop signal has been observed in individual(s) with SORD-related conditions (PMID: 33397963). ClinVar contains an entry for this variant (Variation ID: 929258). For these reasons, this variant has been classified as Pathogenic.

Mayo Clinic Laboratories, Mayo Clinic
Classification: Pathogenic. Last evaluated: 2025-10-09. Review status: criteria provided, single submitter. Criteria: ACMG Guidelines, 2015. Collection method: clinical testing. Allele origin: germline. Observed: 1 variant allele.
Comment: PP4, PM3, PS3, PS4, PVS1

OLLIN Analises Genomicas, OLLIN
Classification: Pathogenic for Neuronopathy, distal hereditary motor, autosomal recessive 8. Last evaluated: 2025-10-06. Review status: criteria provided, single submitter. Criteria: ACMG Guidelines 2015 PMID 25741868. Collection method: clinical testing. Allele origin: germline. Affected: yes. Observed: 1 variant allele.
Comment: The frameshift variant (chr15:45069018CG>C), located in exon 7 (of 9), is reported in ClinVar (VCV000929258.96), in gnomAD v4.1 non-UKB with an allele frequency of 0.35%, and in the scientific literature, both in homozygous and compound heterozygous states, also segregating with the phenotype, in individuals with motor neuropathy (PMID: 32367058, 33397963). It is noteworthy that the high allele frequency in the population may be a consequence of the nonspecific capture of the SORD gene pseudogene. This variant promotes a frameshift with subsequent introduction of a premature stop codon, resulting in a truncated protein or mRNA degradation via NMD, and functional studies have demonstrated a significant reduction in protein levels and mRNA expression (PMID: 32367058, 33397963). According to the evidence currently available, this variant has been classified as pathogenic (PVS1, PS3_M, PM3_VS, PP1).

First Genomix Gene Laboratory, Genetic Diagnostics Department
Classification: Pathogenic for Neuronopathy, distal hereditary motor, autosomal recessive 8. Last evaluated: 2025-07-31. Review status: criteria provided, single submitter. Criteria: ACMG Guidelines, 2015. Collection method: clinical testing. Allele origin: germline. Inheritance: Autosomal recessive inheritance. Affected: no. Observed: 1 variant allele.

Dasa
Classification: Pathogenic. Last evaluated: 2025-07-07. Review status: criteria provided, single submitter. Criteria: DASA Assertion Criteria. Collection method: clinical testing. Allele origin: germline.
Comment: NM_003104.6(SORD):c.757del (p.Ala253GlnfsTer27) is a frameshift variant in SORD predicted to alter the reading frame and introduce a premature termination codon and is predicted to result in an absent or altered protein product. Loss of function is an established disease mechanism for SORD-associated disorders. Segregation data support an association with disease in the reported family/families (PMID: 32367058). This variant has been reported in individuals with SORD-related disorders (PMID: 34819907). Functional evidence supports an impact on the gene or gene product (PMID: 34819907). Also, this variant is absent from population databases. Based on the currently available evidence, this variant is classified as pathogenic.

Revvity Omics, Revvity
Classification: Pathogenic for Neuronopathy, distal hereditary motor, autosomal recessive 8. Last evaluated: 2025-06-05. Review status: criteria provided, single submitter. Criteria: ACMG Guidelines, 2015. Collection method: clinical testing. Allele origin: germline.

Laboratory of Genetics, Children's Clinical University Hospital Latvia
Classification: Pathogenic. Last evaluated: 2025-02-16. Review status: criteria provided, single submitter. Criteria: ACMG Guidelines, 2015. Collection method: clinical testing. Allele origin: germline. Affected: yes.